The following is an entry in ClinVar:

ClinVar aggregate classification (germline): Uncertain significance (1 of 4 stars; one submission).

Submission:

GeneDx
Classification: Uncertain significance. Last evaluated: 2024-09-25. Review status: criteria provided, single submitter. Criteria: GeneDx Variant Classification Process June 2021. Collection method: clinical testing. Allele origin: germline. Affected: yes.
Comment: Not observed at significant frequency in large population cohorts (gnomAD); In silico analysis indicates that this missense variant does not alter protein structure/function; Has not been previously published as pathogenic or benign to our knowledge

NM_020987.5(ANK3):c.9895G>A (p.Val3299Ile)

Gene: ANK3 (ankyrin 3; minus strand). Cytogenetic location: 10q21.2.
Variant type: single nucleotide variant.
Coding change: c.9895G>A on transcript NM_020987.5 (MANE Select); coding-DNA position 9895, G replaced by A.
Protein change: p.Val3299Ile; replaces valine 3299 with isoleucine.
Molecular consequence: missense variant. On other transcripts: intron variant (4).
Genome position (GRCh38, 1-based): chr10:60,070,986, C>T on the plus strand (G>A on the coding strand, the complement: ANK3 is on the minus strand). VCF-style: chr10-60070986-C-T. GRCh37 (hg19) VCF-style: chr10-61830744-C-T.
Other names: c.4388-2977G>A (NM_001204403.2); c.4409-2977G>A (NM_001204404.2); c.4406-2977G>A (NM_001320874.2); c.1808-2977G>A (NM_001149.4); short protein forms V3299I.
Identifiers: ClinVar variation 3774764 (VCV003774764.1).